The following is an entry in ClinVar:

NM_015311.3(OBSL1):c.5341C>T (p.Arg1781Cys)

Gene: OBSL1 (obscurin like cytoskeletal adaptor 1; minus strand). Cytogenetic location: 2q35.
Variant type: single nucleotide variant.
Coding change: c.5341C>T on transcript NM_015311.3 (MANE Select); coding-DNA position 5341, C replaced by T.
Protein change: p.Arg1781Cys; replaces arginine 1781 with cysteine.
Molecular consequence: missense variant.
Genome position (GRCh38, 1-based): chr2:219,552,184, G>A on the plus strand (C>T on the coding strand, the complement: OBSL1 is on the minus strand). VCF-style: chr2-219552184-G-A. GRCh37 (hg19) VCF-style: chr2-220416906-G-A.
Other names: short protein forms R1781C.
Identifiers: ClinVar variation 1469560 (VCV001469560.8), dbSNP rs766231551, ClinGen allele CA2130271.

ClinVar aggregate classification (germline): Uncertain significance (1 of 4 stars; one submission).

Allele frequency attached by ClinVar (database versions not stated): gnomAD exomes below 0.00001; gnomAD 0.00001; ExAC 0.00006.
gnomAD v4.1: 2 of 1,609,854 alleles (0.00012%); highest among the groups gnomAD compares: African/African-American, 0.0013%; no homozygotes.

Submission:

Labcorp Genetics (formerly Invitae), Labcorp
Classification: Uncertain significance. Last evaluated: 2022-10-13. Review status: criteria provided, single submitter. Criteria: Invitae Variant Classification Sherloc (09022015). Collection method: clinical testing. Allele origin: germline.
Comment: Algorithms developed to predict the effect of missense changes on protein structure and function are either unavailable or do not agree on the potential impact of this missense change (SIFT: "Deleterious"; PolyPhen-2: "Benign"; Align-GVGD: "Class C0"). The frequency data for this variant in the population databases is considered unreliable, as metrics indicate poor data quality at this position in the gnomAD database. This variant has not been reported in the literature in individuals affected with OBSL1-related conditions. ClinVar contains an entry for this variant (Variation ID: 1469560). In summary, the available evidence is currently insufficient to determine the role of this variant in disease. Therefore, it has been classified as a Variant of Uncertain Significance. This sequence change replaces arginine, which is basic and polar, with cysteine, which is neutral and slightly polar, at codon 1781 of the OBSL1 protein (p.Arg1781Cys).